The following is an entry in ClinVar:

ClinVar aggregate classification (germline): Pathogenic/Likely pathogenic. Review status: criteria provided, multiple submitters, no conflicts (2 of 4 stars). 3 submissions from 3 submitters: Pathogenic (2); Likely pathogenic (1). Last evaluated 2025-07-07.

Conditions:
Hereditary cancer-predisposing syndrome. Also called: Neoplastic Syndromes, Hereditary; Hereditary Cancer Syndrome; Hereditary neoplastic syndrome; Tumor predisposition. Identifiers: Orphanet 140162, MedGen C0027672, MeSH D009386, MONDO:0015356.
Cardiovascular phenotype. Identifiers: MedGen CN230736.

gnomAD v4.1: 1 of 1,613,434 alleles (0.000062%); highest among the groups gnomAD compares: East Asian, 0.0022%; no homozygotes.

Submissions (3):

Mayo Clinic Laboratories, Mayo Clinic
Classification: Likely pathogenic. Last evaluated: 2025-07-07. Review status: criteria provided, single submitter. Criteria: ACMG Guidelines, 2015. Collection method: clinical testing. Allele origin: germline. Observed: 1 variant allele.
Comment: PM2_supporting, PVS1

Ambry Genetics
Classification: Pathogenic for Cardiovascular phenotype; Hereditary cancer-predisposing syndrome. Last evaluated: 2023-03-13. Review status: criteria provided, single submitter. Criteria: Ambry Variant Classification Scheme 2023. Collection method: clinical testing. Allele origin: germline.
Comment: The p.Q610* pathogenic mutation (also known as c.1828C>T), located in coding exon 16 of the LZTR1 gene, results from a C to T substitution at nucleotide position 1828. This changes the amino acid from a glutamine to a stop codon within coding exon 16. This alteration has been observed in at least one individual with a personal history of multiple peripheral schwannomas (Ambry internal data). This alteration is expected to result in loss of function by premature protein truncation or nonsense-mediated mRNA decay. Loss-of-function variants in LZTR1 are related to an increased risk for schwannomas and autosomal recessive Noonan syndrome; however, such associations with autosomal dominant Noonan syndrome have not been observed (Piotrowski A et al. Nat Genet. 2014 Feb;46:182-7; Yamamoto GL et al. J Med Genet. 2015 Jun;52:413-21; Johnston JJ et al. Genet Med. 2018 10;20:1175-1185). Based on the supporting evidence, this variant is pathogenic for an increased risk of nerve sheath tumors and would be expected to cause autosomal recessive Noonan syndrome when present along with a second pathogenic or likely pathogenic variant on the other allele; however, the association of this alteration with autosomal dominant Noonan syndrome is unlikely.

Labcorp Genetics (formerly Invitae), Labcorp
Classification: Pathogenic. Last evaluated: 2021-11-15. Review status: criteria provided, single submitter. Criteria: Invitae Variant Classification Sherloc (09022015). Collection method: clinical testing. Allele origin: germline.
Comment: For these reasons, this variant has been classified as Pathogenic. This variant has not been reported in the literature in individuals affected with LZTR1-related conditions. This variant is not present in population databases (gnomAD no frequency). This sequence change creates a premature translational stop signal (p.Gln610*) in the LZTR1 gene. It is expected to result in an absent or disrupted protein product. Loss-of-function variants in LZTR1 are known to be pathogenic (PMID: 24362817, 25335493, 25480913, 25795793, 29469822, 30442762, 30442766, 30481304, 30859559).

Literature cited by the submitters: PubMed 24362817 (cited by Labcorp Genetics (formerly Invitae), Labcorp); PubMed 25335493 (cited by Labcorp Genetics (formerly Invitae), Labcorp); PubMed 25480913 (cited by Labcorp Genetics (formerly Invitae), Labcorp); PubMed 25795793 (cited by Labcorp Genetics (formerly Invitae), Labcorp); PubMed 29469822 (cited by Labcorp Genetics (formerly Invitae), Labcorp); PubMed 30442762 (cited by Labcorp Genetics (formerly Invitae), Labcorp); PubMed 30442766 (cited by Labcorp Genetics (formerly Invitae), Labcorp); PubMed 30481304 (cited by Labcorp Genetics (formerly Invitae), Labcorp); PubMed 30859559 (cited by Labcorp Genetics (formerly Invitae), Labcorp).

NM_006767.4(LZTR1):c.1828C>T (p.Gln610Ter)

Gene: LZTR1 (leucine zipper like post translational regulator 1; plus strand). Cytogenetic location: 22q11.21.
Variant type: single nucleotide variant.
Coding change: c.1828C>T on transcript NM_006767.4 (MANE Select); coding-DNA position 1828, C replaced by T.
Protein change: p.Gln610Ter; replaces glutamine 610 with a stop codon.
Molecular consequence: nonsense.
Genome position (GRCh38, 1-based): chr22:20,994,912, C>T. VCF-style: chr22-20994912-C-T. GRCh37 (hg19) VCF-style: chr22-21349201-C-T.
Other names: p.Gln610*; c.1828C>T (NM_006767.3); short protein forms Q610*.
Identifiers: ClinVar variation 1423944 (VCV001423944.8), dbSNP rs2147968331, ClinGen allele CA410778543.